The following is an entry in ClinVar:

ClinVar aggregate classification (germline): Conflicting classifications of pathogenicity. Review status: criteria provided, conflicting classifications (1 of 4 stars). 3 submissions from 3 submitters: Uncertain significance (1); Likely benign (2). Last evaluated 2024-08-20.

Conditions:
Immunodeficiency 14 (IMD14A). Also called: p110-DELTA-ACTIVATING MUTATION CAUSING SENESCENT T CELLS, LYMPHADENOPATHY, AND IMMUNODEFICIENCY; IMMUNODEFICIENCY 14A WITH LYMPHOPROLIFERATION, AUTOSOMAL DOMINANT; ACTIVATED PI3K-DELTA SYNDROME 1; Activated PI3K Delta Syndrome Type 1 (APDS1). Identifiers: Orphanet 397596, Orphanet 693661, MedGen C5907821, MONDO:0014222, OMIM 615513.
Inborn genetic diseases. Identifiers: MedGen C0950123, MeSH D030342.

Allele frequency attached by ClinVar (database versions not stated): gnomAD 0.00004 and 0.00001; TOPMed below 0.00001; gnomAD exomes 0.00006 and 0.00003; ExAC 0.00007.
gnomAD v4.1: 54 of 1,613,220 alleles (0.0033%); highest among the groups gnomAD compares: South Asian, 0.047%; no homozygotes.

Submissions (3):

Labcorp Genetics (formerly Invitae), Labcorp
Classification: Uncertain significance for Activated PI3K-delta syndrome. Last evaluated: 2024-08-20. Review status: criteria provided, single submitter. Criteria: Invitae Variant Classification Sherloc (09022015). Collection method: clinical testing. Allele origin: germline.
Comment: This sequence change replaces glycine, which is neutral and non-polar, with serine, which is neutral and polar, at codon 771 of the PIK3CD protein (p.Gly771Ser). This variant is present in population databases (rs200226248, gnomAD 0.03%), and has an allele count higher than expected for a pathogenic variant. This variant has not been reported in the literature in individuals affected with PIK3CD-related conditions. ClinVar contains an entry for this variant (Variation ID: 582568). Invitae Evidence Modeling of protein sequence and biophysical properties (such as structural, functional, and spatial information, amino acid conservation, physicochemical variation, residue mobility, and thermodynamic stability) indicates that this missense variant is not expected to disrupt PIK3CD protein function with a negative predictive value of 80%. In summary, the available evidence is currently insufficient to determine the role of this variant in disease. Therefore, it has been classified as a Variant of Uncertain Significance.

Blueprint Genetics
Classification: Likely benign. Last evaluated: 2023-09-22. Review status: criteria provided, single submitter. Criteria: ACMG Guidelines, 2015. Collection method: clinical testing. Allele origin: germline.

Ambry Genetics
Classification: Likely benign for Inborn genetic diseases. Last evaluated: 2021-10-26. Review status: criteria provided, single submitter. Criteria: Ambry Variant Classification Scheme 2023. Collection method: clinical testing. Allele origin: germline.

NM_005026.5(PIK3CD):c.2311G>A (p.Gly771Ser)

Gene: PIK3CD (phosphatidylinositol-4,5-bisphosphate 3-kinase catalytic subunit delta; plus strand). Cytogenetic location: 1p36.22.
Variant type: single nucleotide variant.
Coding change: c.2311G>A on transcript NM_005026.5 (MANE Select); coding-DNA position 2311, G replaced by A.
Protein change: p.Gly771Ser; replaces glycine 771 with serine.
Molecular consequence: missense variant.
Genome position (GRCh38, 1-based): chr1:9,722,320, G>A. VCF-style: chr1-9722320-G-A. GRCh37 (hg19) VCF-style: chr1-9782378-G-A.
Other names: c.2311G>A (LRG_191t1); c.2308G>A, p.Gly770Ser (NM_001350234.2); c.2224G>A, p.Gly742Ser (NM_001350235.1); short protein forms G771S, G742S, G770S.
Identifiers: ClinVar variation 582568 (VCV000582568.11), dbSNP rs200226248, ClinGen allele CA577487.
Genomic context (GRCh38, chr1:9,722,320, plus strand): 5'-TTCATGGACTCCAAGATGAAGCCCCTGTGGATCATGTACAGCAACGAGGAGGCAGGCAGC[G>A]GCGGCAGCGTGGGCATCATCTTTAAGAACGGGGATGGTGAGGGCCTGGCCTCCCCACACC-3'
Protein context (NP_005017.3, residues 761-781): IMYSNEEAGS[Gly771Ser]GSVGIIFKNG